The following is an entry in ClinVar:

ClinVar aggregate classification (germline): Uncertain significance (1 of 4 stars; one submission).

Conditions:
Spastic paraplegia. Identifiers: MedGen C0037772, HP:0001258.

Allele frequency attached by ClinVar (database versions not stated): gnomAD exomes below 0.00001; TOPMed below 0.00001.

Submission:

Labcorp Genetics (formerly Invitae), Labcorp
Classification: Uncertain significance for Spastic paraplegia. Last evaluated: 2022-10-17. Review status: criteria provided, single submitter. Criteria: Invitae Variant Classification Sherloc (09022015). Collection method: clinical testing. Allele origin: germline.
Comment: This variant is not present in population databases (gnomAD no frequency). This sequence change replaces methionine, which is neutral and non-polar, with valine, which is neutral and non-polar, at codon 320 of the CYP2U1 protein (p.Met320Val). This variant has not been reported in the literature in individuals affected with CYP2U1-related conditions. In summary, the available evidence is currently insufficient to determine the role of this variant in disease. Therefore, it has been classified as a Variant of Uncertain Significance. Advanced modeling of protein sequence and biophysical properties (such as structural, functional, and spatial information, amino acid conservation, physicochemical variation, residue mobility, and thermodynamic stability) performed at Invitae indicates that this missense variant is not expected to disrupt CYP2U1 protein function.

NM_183075.3(CYP2U1):c.958A>G (p.Met320Val)

Gene: CYP2U1 (cytochrome P450 family 2 subfamily U member 1; plus strand). Cytogenetic location: 4q25.
Variant type: single nucleotide variant.
Coding change: c.958A>G on transcript NM_183075.3 (MANE Select); coding-DNA position 958, A replaced by G.
Protein change: p.Met320Val; replaces methionine 320 with valine.
Molecular consequence: missense variant.
Genome position (GRCh38, 1-based): chr4:107,945,437, A>G. VCF-style: chr4-107945437-A-G. GRCh37 (hg19) VCF-style: chr4-108866593-A-G.
Other names: short protein forms M320V.
Identifiers: ClinVar variation 1947355 (VCV001947355.5), dbSNP rs1733664214, ClinGen allele CA357837607.